The following is an entry in ClinVar:

NM_001276270.2(MBD4):c.1088_1090del (p.Glu363del)

Gene: MBD4 (methyl-CpG binding domain 4, DNA glycosylase; minus strand). Cytogenetic location: 3q21.3.
Variant type: Deletion.
Coding change: c.1088_1090del on transcript NM_001276270.2 (MANE Select); coding-DNA positions 1088 to 1090, 3 bases deleted (AAG; older notation c.1088_1090delAAG).
Protein change: p.Glu363del; deletes glutamic acid 363.
Molecular consequence: inframe deletion. On other transcripts: intron variant (1).
Genome position (GRCh38, 1-based): chr3:129,436,554-129,436,556, CTT deleted on the plus strand (AAG on the coding strand, the reverse complement: MBD4 is on the minus strand); deleting any 3 consecutive bases within chr3:129,436,554-129,436,558 gives the same sequence; the c. name uses the placement nearest the transcript's 3' end. VCF-style (leftmost placement, unchanged base first): chr3-129436553-ACTT-A. GRCh37 (hg19) VCF-style: chr3-129155396-ACTT-A.
Other names: c.1088_1090del, p.Glu363del (NM_001276271.2, NM_001276272.2, NM_003925.3); c.247+1252_247+1254del (NM_001276273.2); c.1088_1090delAAG (NM_001276270.2); short protein forms E363del.
Identifiers: ClinVar variation 3870917 (VCV003870917.1).

ClinVar aggregate classification (germline): Uncertain significance (1 of 4 stars; one submission).

Conditions:
Inborn genetic diseases. Identifiers: MedGen C0950123, MeSH D030342.

Submission:

Ambry Genetics
Classification: Uncertain significance for Inborn genetic diseases. Last evaluated: 2025-02-20. Review status: criteria provided, single submitter. Criteria: Ambry Variant Classification Scheme 2023. Collection method: clinical testing. Allele origin: germline.
Comment: The c.1088_1090delAAG variant (also known as p.E363del) is located in coding exon 3 of the MBD4 gene. This variant results from an in-frame AAG deletion at nucleotide positions 1088 to 1090. This results in the in-frame deletion of a glutamic acid at codon 363. This amino acid position is well conserved in available vertebrate species. In addition, the in silico prediction for this alteration is inconclusive (Choi Y et al. PLoS ONE. 2012; 7(10):e46688). Based on the available evidence, the clinical significance of this variant remains unclear.